The following is an entry in ClinVar:

ClinVar aggregate classification (germline): Uncertain significance (1 of 4 stars; one submission).

gnomAD v4.1: 1 of 1,613,976 alleles (0.000062%); highest among the groups gnomAD compares: Non-Finnish European, 0.000085%; no homozygotes.

Submission:

Dasa
Classification: Uncertain significance. Last evaluated: 2026-07-27. Review status: criteria provided, single submitter. Criteria: DASA Assertion Criteria. Collection method: clinical testing. Allele origin: germline.
Comment: NM_024298.5(MBOAT7):c.96G>A (p.Trp32*) is a nonsense variant in MBOAT7 predicted to introduce a premature termination codon and is predicted to result in an absent or altered protein product. This variant is absent from population databases. The currently available literature and clinical evidence are not sufficient to establish a definitive association between this variant and the reported condition. Therefore, this variant is classified as a variant of uncertain significance.

NM_024298.5(MBOAT7):c.96G>A (p.Trp32Ter)

Gene: MBOAT7 (membrane bound acylglycerophosphatidylinositol O-acyltransferase MBOAT7; minus strand). Cytogenetic location: 19q13.42.
Variant type: single nucleotide variant.
Coding change: c.96G>A on transcript NM_024298.5 (MANE Select); coding-DNA position 96, G replaced by A.
Protein change: p.Trp32Ter; replaces tryptophan 32 with a stop codon.
Molecular consequence: nonsense. On other transcripts: missense variant (2).
Genome position (GRCh38, 1-based): chr19:54,188,327, C>T on the plus strand (G>A on the coding strand, the complement: MBOAT7 is on the minus strand). VCF-style: chr19-54188327-C-T. GRCh37 (hg19) VCF-style: chr19-54692181-C-T.
Other names: c.4G>A, p.Gly2Arg (NM_001146056.3, NM_001146083.3); c.96G>A, p.Trp32Ter (NM_001146082.3); short protein forms G2R, W32*.
Identifiers: ClinVar variation 5020120 (VCV005020120.1).